The following is an entry in ClinVar:

ClinVar aggregate classification (germline): Uncertain significance. Review status: criteria provided, multiple submitters, no conflicts (2 of 4 stars). 3 submissions from 3 submitters: Uncertain significance (2). 1 of the submissions does not count toward it. Last evaluated 2025-10-27.

Conditions:
BACH2-related disorder. Also called: BACH2-related condition.

gnomAD v4.1: 37 of 1,614,020 alleles (0.0023%); highest among the groups gnomAD compares: Non-Finnish European, 0.0025%; no homozygotes.

Submissions (3):

Labcorp Genetics (formerly Invitae), Labcorp
Classification: Uncertain significance. Last evaluated: 2025-10-27. Review status: criteria provided, single submitter. Criteria: Invitae Variant Classification Sherloc (09022015). Collection method: clinical testing. Allele origin: germline.
Comment: This sequence change replaces alanine, which is neutral and non-polar, with serine, which is neutral and polar, at codon 761 of the BACH2 protein (p.Ala761Ser). This variant is present in population databases (rs374620073, gnomAD 0.003%). This variant has not been reported in the literature in individuals affected with BACH2-related conditions. ClinVar contains an entry for this variant (Variation ID: 1523104). An algorithm developed to predict the effect of missense changes on protein structure and function (PolyPhen-2) suggests that this variant is likely to be tolerated. In summary, the available evidence is currently insufficient to determine the role of this variant in disease. Therefore, it has been classified as a Variant of Uncertain Significance.

Ambry Genetics
Classification: Uncertain significance. Last evaluated: 2025-08-10. Review status: criteria provided, single submitter. Criteria: Ambry Variant Classification Scheme 2023. Collection method: clinical testing. Allele origin: germline.

PreventionGenetics, part of Exact Sciences
Classification: Uncertain significance for BACH2-related condition. Last evaluated: 2024-04-22. Review status: no assertion criteria provided. Collection method: clinical testing. Allele origin: germline. Not counted in ClinVar's aggregate classification.
Comment: The BACH2 c.2281G>T variant is predicted to result in the amino acid substitution p.Ala761Ser. To our knowledge, this variant has not been reported in the literature. This variant is reported in 0.0029% of alleles in individuals of Latino descent in gnomAD. At this time, the clinical significance of this variant is uncertain due to the absence of conclusive functional and genetic evidence.

NM_021813.4(BACH2):c.2281G>T (p.Ala761Ser)

Gene: BACH2 (BACH transcriptional regulator 2; minus strand). Cytogenetic location: 6q15.
Variant type: single nucleotide variant.
Coding change: c.2281G>T on transcript NM_021813.4 (MANE Select); coding-DNA position 2281, G replaced by T.
Protein change: p.Ala761Ser; replaces alanine 761 with serine.
Molecular consequence: missense variant.
Genome position (GRCh38, 1-based): chr6:89,932,653, C>A on the plus strand (G>T on the coding strand, the complement: BACH2 is on the minus strand). VCF-style: chr6-89932653-C-A. GRCh37 (hg19) VCF-style: chr6-90642372-C-A.
Other names: c.2281G>T (NM_021813.3, NM_021813.2); c.2281G>T, p.Ala761Ser (NM_001170794.2); short protein forms A761S.
Identifiers: ClinVar variation 1523104 (VCV001523104.10), dbSNP rs374620073, ClinGen allele CA3927829.